The following is an entry in ClinVar:

NM_001267550.2(TTN):c.40404del (p.Ala13470fs)

Gene: TTN (titin; minus strand). Cytogenetic location: 2q31.2.
Variant type: Deletion.
Coding change: c.40404del on transcript NM_001267550.2 (MANE Select); coding-DNA position 40404, one base deleted (T; older notation c.40404delT).
Protein change: p.Ala13470fs; shifts the reading frame from alanine 13470.
Molecular consequence: frameshift variant. On other transcripts: intron variant (3).
Genome position (GRCh38, 1-based): chr2:178,645,924, A deleted on the plus strand (T on the coding strand, the reverse complement: TTN is on the minus strand); the first of 2 consecutive A bases (chr2:178,645,924-178,645,925); deleting either gives the same sequence. VCF-style (leftmost placement, unchanged base first): chr2-178645923-TA-T. GRCh37 (hg19) VCF-style: chr2-179510650-TA-T.
Other names: c.35481del, p.Ala11829fs (NM_001256850.1); c.32700del, p.Ala10902fs (NM_133378.4); c.13283-3607del (NM_003319.4); c.13859-3607del (NM_133437.4); c.13658-3607del (NM_133432.3); short protein forms A11829fs, A10902fs, A13470fs.
Identifiers: ClinVar variation 2065445 (VCV002065445.4), dbSNP rs2472052956, ClinGen allele CA2580065073.

ClinVar aggregate classification (germline): Likely pathogenic (1 of 4 stars; one submission).

Conditions:
Dilated cardiomyopathy 1G (CMD1G). Identifiers: Orphanet 154, MedGen C1858763, MONDO:0011400, OMIM 604145.
Autosomal recessive limb-girdle muscular dystrophy type 2J (LGMDR10). Also called: Limb-girdle muscular dystrophy, type 2J; MUSCULAR DYSTROPHY, LIMB-GIRDLE, AUTOSOMAL RECESSIVE 10. Identifiers: Orphanet 140922, MedGen C1837342, MONDO:0012127, OMIM 608807.

Submission:

Labcorp Genetics (formerly Invitae), Labcorp
Classification: Likely pathogenic for Dilated cardiomyopathy 1G; Autosomal recessive limb-girdle muscular dystrophy type 2J. Last evaluated: 2025-07-27. Review status: criteria provided, single submitter. Criteria: Invitae Variant Classification Sherloc (09022015). Collection method: clinical testing. Allele origin: germline.
Comment: This sequence change creates a premature translational stop signal (p.Ala13470Leufs*22) in the TTN gene. While this is not anticipated to result in nonsense mediated decay, it is expected to create a truncated TTN protein. This variant is not present in population databases (gnomAD no frequency). This variant has not been reported in the literature in individuals affected with TTN-related conditions. ClinVar contains an entry for this variant (Variation ID: 2065445). This variant is located in the I band of TTN (PMID: 25589632). Truncating variants in this region have been reported in individuals affected with autosomal recessive centronuclear myopathy (PMID: 23975875, internal data). Truncating variants in this region have also been identified in individuals affected with autosomal dominant dilated cardiomyopathy and/or cardio-related conditions (PMID: 27869827, 32964742, internal data). In summary, the currently available evidence indicates that the variant is pathogenic, but additional data are needed to prove that conclusively. Therefore, this variant has been classified as Likely Pathogenic.

Literature cited by the submitters: PubMed 25589632; PubMed 23975875; PubMed 27869827; PubMed 32964742.